The following is an entry in ClinVar:

NM_138694.4(PKHD1):c.6531_6538del (p.Met2177fs)

Gene: PKHD1 (PKHD1 ciliary IPT domain containing fibrocystin/polyductin; minus strand). Cytogenetic location: 6p12.2.
Variant type: Deletion.
Coding change: c.6531_6538del on transcript NM_138694.4 (MANE Select); coding-DNA positions 6531 to 6538, 8 bases deleted (GCTAGGAT; older notation c.6531_6538delGCTAGGAT).
Protein change: p.Met2177fs; shifts the reading frame from methionine 2177.
Molecular consequence: frameshift variant.
Genome position (GRCh38, 1-based): chr6:51,909,427-51,909,434, ATCCTAGC deleted on the plus strand (GCTAGGAT on the coding strand, the reverse complement: PKHD1 is on the minus strand); deleting any 8 consecutive bases within chr6:51,909,427-51,909,437 gives the same sequence; the c. name uses the placement nearest the transcript's 3' end. VCF-style (leftmost placement, unchanged base first): chr6-51909426-GATCCTAGC-G. GRCh37 (hg19) VCF-style: chr6-51774224-GATCCTAGC-G.
Other names: c.6531_6538del, p.Met2177fs (NM_170724.3); short protein forms M2177fs.
Identifiers: ClinVar variation 4816719 (VCV004816719.1).

ClinVar aggregate classification (germline): Likely pathogenic (1 of 4 stars; one submission).

Conditions:
Autosomal recessive polycystic kidney disease (ARPKD). Also called: AR polycystic kidney disease. Identifiers: Orphanet 731, Orphanet 8378, MedGen C0085548, MeSH D017044, MONDO:0009889.

Submission:

Natera, Inc.
Classification: Likely pathogenic for Autosomal recessive polycystic kidney disease. Last evaluated: 2024-11-19. Review status: criteria provided, single submitter. Criteria: Natera Variant Classification Schema (03/2026). Collection method: clinical testing. Allele origin: germline.
Comment: The c.6531_6538delGCTAGGAT variant in PKHD1 is a frameshift variant predicted to shift the reading frame beginning at codon 2177 and leads to a stop codon 36 codons downstream. This variant is expected to result in nonsense mediated decay, truncation, or a dysfunctional protein product. This variant is rare in the general population with a frequency below the threshold expected for the associated phenotype(s). Given the available evidence, this variant is classified as Likely Pathogenic.